The following is an entry in ClinVar:

NM_001267550.2(TTN):c.94561T>C (p.Ser31521Pro)

Genes: TTN (titin; minus strand), TTN-AS1 (TTN antisense RNA 1; plus strand). Cytogenetic location: 2q31.2.
Variant type: single nucleotide variant.
Coding change: c.94561T>C on transcript NM_001267550.2 (MANE Select); coding-DNA position 94561, T replaced by C.
Protein change: p.Ser31521Pro; replaces serine 31521 with proline.
Molecular consequence: missense variant.
Genome position (GRCh38, 1-based): chr2:178,546,867, A>G on the plus strand (T>C on the coding strand, the complement: TTN is on the minus strand). VCF-style: chr2-178546867-A-G. GRCh37 (hg19) VCF-style: chr2-179411594-A-G.
Other names: c.89638T>C, p.Ser29880Pro (NM_001256850.1); c.67366T>C, p.Ser22456Pro (NM_003319.4); c.86857T>C, p.Ser28953Pro (NM_133378.4); c.67741T>C, p.Ser22581Pro (NM_133432.3); c.67942T>C, p.Ser22648Pro (NM_133437.4); short protein forms S29880P, S31521P, S22581P, S22648P, S28953P, S22456P.
Identifiers: ClinVar variation 515917 (VCV000515917.1), dbSNP rs1553523604, ClinGen allele CA349472546.
Genomic context (GRCh38, chr2:178,546,867, plus strand): 5'-AGCCCACAACCTTGCTGCCTCCATCATACGCTGGGGCAGACCAAATCAGTGATACTGTTG[A>G]TCTTGTGACATCTGTCACCTCTGGTCTGCCTGGTGCATCTGGAAGGGATGCAAAAATAAG-3'
Protein context (NP_001254479.2, residues 31511-31531): GRPEVTDVTR[Ser31521Pro]TVSLIWSAPA

ClinVar aggregate classification (germline): Likely benign (1 of 4 stars; one submission).

Submission:

GeneDx
Classification: Likely benign. Last evaluated: 2018-02-28. Review status: criteria provided, single submitter. Criteria: GeneDx Variant Classification (06012015). Collection method: clinical testing. Allele origin: germline. Affected: yes.
Comment: This variant is considered likely benign or benign based on one or more of the following criteria: it is a conservative change, it occurs at a poorly conserved position in the protein, it is predicted to be benign by multiple in silico algorithms, and/or has population frequency not consistent with disease.